The following is an entry in ClinVar:

ClinVar aggregate classification (germline): Benign (1 of 4 stars; one submission).

Allele frequency attached by ClinVar (database versions not stated): TOPMed 0.49704; 1000 Genomes Project 0.47364; 1000 Genomes Project 30x 0.47486; gnomAD 0.49691.
gnomAD v4.1: 626,662 of 1,347,564 alleles (47%); highest among the groups gnomAD compares: African/African-American, 60%; 147,851 homozygotes.

Submissions (6):

Unidad de Genómica Garrahan, Hospital de Pediatría Garrahan
Classification: Benign. Last evaluated: 2023-11-12. Review status: criteria provided, single submitter. Criteria: ACMG Guidelines, 2015. Collection method: clinical testing. Allele origin: germline. Affected: no. Observed: 27 variant alleles.
Comment: This variant is classified as Benign based on local population frequency. This variant was detected in 28% of patients studied by a panel of primary immunodeficiencies. Number of patients: 27. Only high quality variants are reported.

Dr. Peter K. Rogan Lab, Western University
No classification provided (evidence only). Condition: Uterine carcinosarcoma. Review status: no classification provided. Collection method: in vitro. Allele origin: not applicable. Functional consequence: retained intron. Not counted in ClinVar's aggregate classification.

Dr. Peter K. Rogan Lab, Western University
No classification provided (evidence only). Condition: Uterine carcinosarcoma. Review status: no classification provided. Collection method: in vitro. Allele origin: not applicable. Functional consequence: retained intron. Not counted in ClinVar's aggregate classification.

Dr. Peter K. Rogan Lab, Western University
No classification provided (evidence only). Condition: Uterine carcinosarcoma. Review status: no classification provided. Collection method: in vitro. Allele origin: not applicable. Functional consequence: retained intron. Not counted in ClinVar's aggregate classification.

Dr. Peter K. Rogan Lab, Western University
No classification provided (evidence only). Condition: Uterine carcinosarcoma. Review status: no classification provided. Collection method: in vitro. Allele origin: not applicable. Functional consequence: retained intron. Not counted in ClinVar's aggregate classification.

Dr. Peter K. Rogan Lab, Western University
No classification provided (evidence only). Condition: Uterine carcinosarcoma. Review status: no classification provided. Collection method: in vitro. Allele origin: not applicable. Functional consequence: retained intron. Not counted in ClinVar's aggregate classification.

NM_001330588.2(TPP2):c.3580-67G>T

Gene: TPP2 (tripeptidyl peptidase 2; plus strand). Cytogenetic location: 13q33.1.
Variant type: single nucleotide variant.
Coding change: c.3580-67G>T on transcript NM_001330588.2 (MANE Select); 67 bases into the intron before coding-DNA position 3580, G replaced by T.
Molecular consequence: intron variant.
Genome position (GRCh38, 1-based): chr13:102,676,229, G>T. VCF-style: chr13-102676229-G-T. GRCh37 (hg19) VCF-style: chr13-103328579-G-T.
Other names: NC_000013.10:g.103328579G>T; c.3667-67G>T (NM_001367947.1); c.3541-67G>T (NM_003291.4).
Identifiers: ClinVar variation 2628246 (VCV002628246.3), dbSNP rs665479, ClinGen allele CA15775548.
Genomic context (GRCh38, chr13:102,676,229, plus strand): 5'-TGTACTCTATGTACCATATTCATTTCAAAAGCTACACTTCTGTTAAAGCCTTAATTTTAT[G>T]GTTAAAGCTAATGCCTTAAAATGTAAATTATTTTATAAACAAGCTTTATCATGTTTTACA-3'